The following is an entry in ClinVar:

ClinVar aggregate classification (germline): Conflicting classifications of pathogenicity. Review status: criteria provided, conflicting classifications (1 of 4 stars). 12 submissions from 12 submitters: Uncertain significance (10); Likely benign (2). Last evaluated 2026-07-26.

Conditions:
APC-related disorder. Also called: APC-related condition.
Hereditary cancer-predisposing syndrome. Also called: Tumor predisposition; Neoplastic Syndromes, Hereditary; Hereditary neoplastic syndrome; Hereditary Cancer Syndrome. Identifiers: Orphanet 140162, MedGen C0027672, MeSH D009386, MONDO:0015356.
Familial adenomatous polyposis 1 (FAP1). Also called: FAMILIAL ADENOMATOUS POLYPOSIS 1, ATTENUATED; POLYPOSIS, ADENOMATOUS INTESTINAL. Identifiers: MedGen C2713442, MONDO:0021056, OMIM 175100. Disease mechanism: loss of function.

Submissions (12):

PreventionGenetics, part of Exact Sciences
Classification: Uncertain significance for APC-related condition. Last evaluated: 2026-07-26. Review status: criteria provided, single submitter. Criteria: ACMG Guidelines, 2015. Collection method: clinical testing. Allele origin: germline.
Comment: The APC c.5424_5426delCAA variant is predicted to result in an in-frame deletion (p.Asn1808del). This variant has previously been reported in individuals with breast cancer (Tung et al. 2016. PubMed ID: 26976419) and suspected Lynch syndrome/colon cancer (Supplemental Table 2, Yurgelun et al. 2015. PubMed ID: 25980754; Table S3, Zhunussova et al. 2019. PubMed ID: 31428572). This variant is reported in 0.0027% of alleles in individuals of European (Non-Finnish) descent in gnomAD and has conflicting interpretations in ClinVar ranging from uncertain to likely benign (Variation ID: 141776). At this time, the clinical significance of this variant is uncertain due to the absence of conclusive functional and genetic evidence.

Labcorp Genetics (formerly Invitae), Labcorp
Classification: Uncertain significance for Familial adenomatous polyposis 1. Last evaluated: 2026-01-28. Review status: criteria provided, single submitter. Criteria: Invitae Variant Classification Sherloc (09022015). Collection method: clinical testing. Allele origin: germline.
Comment: This variant, c.5424_5426del, results in the deletion of 1 amino acid(s) of the APC protein (p.Asn1808del), but otherwise preserves the integrity of the reading frame. This variant is present in population databases (rs753952265, gnomAD 0.003%). This variant has been observed in individual(s) with Lynch syndrome and sigmoid colon cancer patient (PMID: 25980754, 31428572). Experimental studies and prediction algorithms are not available or were not evaluated, and the functional significance of this variant is currently unknown. In summary, the available evidence is currently insufficient to determine the role of this variant in disease. Therefore, it has been classified as a Variant of Uncertain Significance.

Quest Diagnostics Nichols Institute San Juan Capistrano
Classification: Uncertain significance. Last evaluated: 2025-09-10. Review status: criteria provided, single submitter. Criteria: Quest Diagnostics criteria. Collection method: clinical testing. Allele origin: unknown.
Comment: The APC c.5424_5426del (p.Asn1808del) variant has been reported in the published literature in individuals affected with colorectal cancer (PMID: 31428572 (2019)), breast cancer (PMID: 26976419 (2016)), or an undescribed Lynch syndrome-associated cancer and/or polyps (PMID: 25980754 (2015)). The frequency of this variant in the general population (Genome Aggregation Database) is uninformative in the assessment of its pathogenicity. Based on the available information, we are unable to determine the clinical significance of this variant.

Center for Genomic Medicine, Rigshospitalet, Copenhagen University Hospital
Classification: Likely benign. Last evaluated: 2025-03-04. Review status: criteria provided, single submitter. Criteria: ACMG Guidelines, 2015. Collection method: clinical testing. Allele origin: germline.

Institute for Biomarker Research, Medical Diagnostic Laboratories, L.L.C.
Classification: Uncertain significance for Hereditary cancer-predisposing syndrome. Last evaluated: 2025-01-15. Review status: criteria provided, single submitter. Criteria: ACMG Guidelines, 2015. Collection method: clinical testing. Allele origin: germline.
Comment: The in-frame deletion NM_000038.6(APC):c.5424_5426delCAA (p.Asn1808del) has not been reported previously as a pathogenic variant, to our knowledge.This variant results in a deletion of a asparagine at position 1808 of the APC gene. However, as this is an in-frame deletion, it is not expected to result in either a truncated protein product or loss of protein through nonsense-mediated mRNA decay. The p.Asn1808del variant is not in a repeat region. The p.Asn1808del variant results in a deletion of 3 bases that are predicted conserved by GERP++ and PhyloP. For these reasons, this variant has been classified as Uncertain Significance.

Color Diagnostics, LLC DBA Color Health
Classification: Uncertain significance for Hereditary cancer-predisposing syndrome. Last evaluated: 2024-09-18. Review status: criteria provided, single submitter. Criteria: ACMG Guidelines, 2015. Collection method: clinical testing. Allele origin: germline.
Comment: This variant causes an in-frame deletion of one amino acid of the APC gene.. To our knowledge, functional studies have not been reported for this variant. This variant has been reported in an individual affected with early-onset colorectal cancer and an individual suspected of Lynch syndrome (PMID: 25980754, 31428572). This variant has been identified in 3/249496 chromosomes in the general population by the Genome Aggregation Database (gnomAD). The available evidence is insufficient to determine the role of this variant in disease conclusively. Therefore, this variant is classified as a Variant of Uncertain Significance.

Molecular Pathology, Peter Maccallum Cancer Centre
Classification: Uncertain significance for Familial adenomatous polyposis 1. Last evaluated: 2024-04-14. Review status: criteria provided, single submitter. Criteria: ACMG Guidelines, 2015. Collection method: clinical testing. Allele origin: germline. Inheritance: Autosomal dominant inheritance.

Baylor Genetics
Classification: Uncertain significance for Familial adenomatous polyposis 1. Last evaluated: 2024-03-13. Review status: criteria provided, single submitter. Criteria: ACMG Guidelines, 2015. Collection method: clinical testing. Allele origin: unknown.

GeneDx
Classification: Uncertain significance. Last evaluated: 2024-03-01. Review status: criteria provided, single submitter. Criteria: GeneDx Variant Classification Process June 2021. Collection method: clinical testing. Allele origin: germline. Affected: yes.
Comment: In-frame deletion of one amino acid in a non-repeat region; In silico analysis supports that this variant does not alter protein structure/function; Not observed at significant frequency in large population cohorts (gnomAD); Observed in individuals with a personal or family history including colon, breast, and other cancers (PMID: 26976419, 25980754, 31428572); Located in the critical 20-aa repeat beta-catenin down-regulating domain and SAMP repeats/axin binding domain (PMID: 18199528); This variant is associated with the following publications: (PMID: 25980754, 26976419, 31428572, 18199528)

Women's Health and Genetics/Laboratory Corporation of America, LabCorp
Classification: Uncertain significance. Last evaluated: 2024-01-29. Review status: criteria provided, single submitter. Criteria: LabCorp Variant Classification Summary - May 2015. Collection method: clinical testing. Allele origin: germline.
Comment: Variant summary: APC c.5424_5426delCAA (p.Asn1808del) results in an in-frame deletion that is predicted to remove one amino acid from the encoded protein. The variant allele was found at a frequency of 1.2e-05 in 249496 control chromosomes. The available data on variant occurrences in the general population are insufficient to allow any conclusion about variant significance. c.5424_5426delCAA has been reported in the literature as a VUS in settings of multigene panel testing among individuals who had genetic screening performed for lynch syndrome, breast cancer and colorectal cancer (examples: Yurgelun_2015, Tung_2016 and Zhunussova_2019). These reports do not provide unequivocal conclusions about association of the variant with Familial Adenomatous Polyposis. To our knowledge, no experimental evidence demonstrating an impact on protein function has been reported. The following publications have been ascertained in the context of this evaluation (PMID: 26976419, 25980754, 31428572). ClinVar contains an entry for this variant (Variation ID: 141776). Based on the evidence outlined above, the variant was classified as uncertain significance.

Ambry Genetics
Classification: Likely benign for Hereditary cancer-predisposing syndrome. Last evaluated: 2022-10-17. Review status: criteria provided, single submitter. Criteria: Ambry Variant Classification Scheme 2023. Collection method: clinical testing. Allele origin: germline.

St. Jude Molecular Pathology, St. Jude Children's Research Hospital
Classification: Uncertain significance for Familial adenomatous polyposis 1. Last evaluated: 2021-09-22. Review status: criteria provided, single submitter. Criteria: St. Jude Assertion Criteria 2020. Collection method: clinical testing. Allele origin: germline.
Comment: The APC c.5424_5426del (p.Asn1808del) change results in the deletion of a single asparagine residue in exon 15 of the APC gene (PM4). This variant has a maximum subpopulation frequency of 0.0027% in gnomAD v2.1.1. It has been reported in an individual with suspected Lynch syndrome (PMID: 25980754) and in at least one individual with breast cancer (PMID: 26976419). In silico analysis using PROVEAN predicts a benign effect of this variant on protein function (PMID: 23056405), but to our knowledge functional studies have not been performed. In summary, this variant meets criteria to be classified as of uncertain significance based on the ACMG/AMP criteria: PM4.

Literature cited by the submitters: PubMed 25980754 (cited by 6 submitters); PubMed 31428572 (cited by 4 submitters); PubMed 26976419 (cited by 4 submitters).

NM_000038.6(APC):c.5421CAA[1] (p.Asn1808del)

Gene: APC (APC regulator of Wnt signaling pathway; plus strand). Cytogenetic location: 5q22.2.
Variant type: Microsatellite.
Coding change: c.5421CAA[1] on transcript NM_000038.6 (MANE Select); one copy of the 3-base unit CAA starting at c.5421; the reference has two copies in a row; one copy, 3 bases deleted; also written c.5424_5426del.
Protein change: p.Asn1808del; deletes asparagine 1808.
Molecular consequence: inframe deletion.
Genome position (GRCh38, 1-based): chr5:112,841,018-112,841,020, CAA deleted; deleting any 3 consecutive bases within chr5:112,841,014-112,841,020 gives the same sequence; the position shown is the placement nearest the transcript's 3' end. VCF-style (leftmost placement, unchanged base first): chr5-112841013-GACA-G. GRCh37 (hg19) VCF-style: chr5-112176710-GACA-G.
Other names: c.5424_5426del (NM_000038.6); c.5421CAA[1], p.Asn1808del (NM_001127510.3, NM_001354895.2); c.5367CAA[1], p.Asn1790del (NM_001127511.3); c.5475CAA[1], p.Asn1826del (NM_001354896.2); c.5451CAA[1], p.Asn1818del (NM_001354897.2); c.5346CAA[1], p.Asn1783del (NM_001354898.2); c.5337CAA[1], p.Asn1780del (NM_001354899.2); c.5298CAA[1], p.Asn1767del (NM_001354900.2); and 7 more; short protein forms N1790del, N1808del, N1717del, N1749del, N1780del, N1783del, N1648del, N1707del.
Identifiers: ClinVar variation 141776 (VCV000141776.48), dbSNP rs587782002, ClinGen allele CA010394.